The following is an entry in ClinVar:

ClinVar aggregate classification (germline): Uncertain significance. Review status: criteria provided, multiple submitters, no conflicts (2 of 4 stars). 2 submissions from 2 submitters: Uncertain significance (2). Last evaluated 2023-06-23.

Conditions:
Hereditary sensory and autonomic neuropathy with spastic paraplegia (HSNSP). Identifiers: Orphanet 139578, MedGen C1850395, MONDO:0009748, OMIM 256840.

Allele frequency attached by ClinVar (database versions not stated): ExAC 0.00004; gnomAD 0.00004.

Submissions (2):

Labcorp Genetics (formerly Invitae), Labcorp
Classification: Uncertain significance for Hereditary sensory and autonomic neuropathy with spastic paraplegia. Last evaluated: 2023-06-23. Review status: criteria provided, single submitter. Criteria: Invitae Variant Classification Sherloc (09022015). Collection method: clinical testing. Allele origin: germline.
Comment: This sequence change replaces alanine, which is neutral and non-polar, with valine, which is neutral and non-polar, at codon 246 of the CCT5 protein (p.Ala246Val). In summary, the available evidence is currently insufficient to determine the role of this variant in disease. Therefore, it has been classified as a Variant of Uncertain Significance. Advanced modeling of protein sequence and biophysical properties (such as structural, functional, and spatial information, amino acid conservation, physicochemical variation, residue mobility, and thermodynamic stability) performed at Invitae indicates that this missense variant is not expected to disrupt CCT5 protein function. This variant has not been reported in the literature in individuals affected with CCT5-related conditions. This variant is present in population databases (rs769622374, gnomAD 0.01%).

Ambry Genetics
Classification: Uncertain significance. Last evaluated: 2023-01-10. Review status: criteria provided, single submitter. Criteria: Ambry Variant Classification Scheme 2023. Collection method: clinical testing. Allele origin: germline.

NM_012073.5(CCT5):c.737C>T (p.Ala246Val)

Gene: CCT5 (chaperonin containing TCP1 subunit 5; plus strand). Cytogenetic location: 5p15.2.
Variant type: single nucleotide variant.
Coding change: c.737C>T on transcript NM_012073.5 (MANE Select); coding-DNA position 737, C replaced by T.
Protein change: p.Ala246Val; replaces alanine 246 with valine.
Molecular consequence: missense variant.
Genome position (GRCh38, 1-based): chr5:10,258,399, C>T. VCF-style: chr5-10258399-C-T. GRCh37 (hg19) VCF-style: chr5-10258511-C-T.
Other names: c.674C>T, p.Ala225Val (NM_001306153.1); c.572C>T, p.Ala191Val (NM_001306154.2); c.458C>T, p.Ala153Val (NM_001306155.2); c.623C>T, p.Ala208Val (NM_001306156.2); short protein forms A153V, A191V, A208V, A246V, A225V.
Identifiers: ClinVar variation 2853948 (VCV002853948.3), dbSNP rs769622374, ClinGen allele CA3198160.